The following is an entry in ClinVar:

NM_001375524.1(TRRAP):c.5431C>A (p.Pro1811Thr)

Gene: TRRAP (transformation/transcription domain associated protein; plus strand). Cytogenetic location: 7q22.1.
Variant type: single nucleotide variant.
Coding change: c.5431C>A on transcript NM_001375524.1 (MANE Select); coding-DNA position 5431, C replaced by A.
Protein change: p.Pro1811Thr; replaces proline 1811 with threonine.
Molecular consequence: missense variant.
Genome position (GRCh38, 1-based): chr7:98,950,972, C>A. VCF-style: chr7-98950972-C-A. GRCh37 (hg19) VCF-style: chr7-98548595-C-A.
Other names: c.5410C>A, p.Pro1804Thr (NM_001244580.2); c.5356C>A, p.Pro1786Thr (NM_003496.4); c.5410C>A (NM_001244580.1); short protein forms P1786T, P1804T, P1811T.
Identifiers: ClinVar variation 3054579 (VCV003054579.3), dbSNP rs782255764, ClinGen allele CA4360557.

ClinVar aggregate classification (germline): Likely benign. Review status: criteria provided, single submitter (1 of 4 stars). 2 submissions from 2 submitters: Likely benign (1). 1 of the submissions does not count toward it. Last evaluated 2025-08-21.

Conditions:
Inborn genetic diseases. Identifiers: MedGen C0950123, MeSH D030342.
TRRAP-related disorder. Also called: TRRAP-related condition.

Allele frequency attached by ClinVar (database versions not stated): ExAC 0.00002; gnomAD 0.00002; TOPMed 0.00002.
gnomAD v4.1: 14 of 1,608,514 alleles (0.00087%); highest among the groups gnomAD compares: Non-Finnish European, 0.001%; no homozygotes.

Submissions (2):

Ambry Genetics
Classification: Likely benign for Inborn genetic diseases. Last evaluated: 2025-08-21. Review status: criteria provided, single submitter. Criteria: Ambry Variant Classification Scheme 2023. Collection method: clinical testing. Allele origin: germline.

PreventionGenetics, part of Exact Sciences
Classification: Uncertain significance for TRRAP-related condition. Last evaluated: 2023-12-27. Review status: no assertion criteria provided. Collection method: clinical testing. Allele origin: germline. Not counted in ClinVar's aggregate classification.
Comment: The TRRAP c.5356C>A variant is predicted to result in the amino acid substitution p.Pro1786Thr. To our knowledge, this variant has not been reported in the literature. This variant is reported in 0.0047% of alleles in individuals of European (Non-Finnish) descent in gnomAD. At this time, the clinical significance of this variant is uncertain due to the absence of conclusive functional and genetic evidence.